The following is an entry in ClinVar:

NM_003937.3(KYNU):c.455C>T (p.Thr152Met)

Gene: KYNU (kynureninase; plus strand). Cytogenetic location: 2q22.2.
Variant type: single nucleotide variant.
Coding change: c.455C>T on transcript NM_003937.3 (MANE Select); coding-DNA position 455, C replaced by T.
Protein change: p.Thr152Met; replaces threonine 152 with methionine.
Molecular consequence: missense variant.
Genome position (GRCh38, 1-based): chr2:142,956,222, C>T. VCF-style: chr2-142956222-C-T. GRCh37 (hg19) VCF-style: chr2-143713791-C-T.
Other names: c.455C>T, p.Thr152Met (NM_001032998.2, NM_001199241.2); c.455C>T (NM_003937.2); short protein forms T152M.
Identifiers: ClinVar variation 1333406 (VCV001333406.5), dbSNP rs146601376, ClinGen allele CA1896706.

ClinVar aggregate classification (germline): Uncertain significance. Review status: criteria provided, multiple submitters, no conflicts (2 of 4 stars). 3 submissions from 3 submitters: Uncertain significance (3). Last evaluated 2025-09-10.

Conditions:
Vertebral, cardiac, renal, and limb defects syndrome 2. Also called: KYNURENINASE DEFICIENCY, COMPLETE; CONGENITAL NAD DEFICIENCY DISORDER 2. Identifiers: MedGen C4540014, MONDO:0060555, OMIM 617661.

Allele frequency attached by ClinVar (database versions not stated): gnomAD 0.00005 and 0.00006; ExAC 0.00008; ESP Exome Variant Server 0.00008; gnomAD exomes 0.00008.
gnomAD v4.1: 92 of 1,597,968 alleles (0.0058%); highest among the groups gnomAD compares: East Asian, 0.018%; 1 homozygote.

Submissions (3):

Ambry Genetics
Classification: Uncertain significance. Last evaluated: 2025-09-10. Review status: criteria provided, single submitter. Criteria: Ambry Variant Classification Scheme 2023. Collection method: clinical testing. Allele origin: germline.

GeneDx
Classification: Uncertain significance. Last evaluated: 2024-12-10. Review status: criteria provided, single submitter. Criteria: GeneDx Variant Classification Process June 2021. Collection method: clinical testing. Allele origin: germline. Affected: yes.
Comment: In silico analysis supports that this missense variant has a deleterious effect on protein structure/function; Has not been previously published as pathogenic or benign to our knowledge

3billion
Classification: Uncertain significance for Vertebral, cardiac, renal, and limb defects syndrome 2. Last evaluated: 2022-01-03. Review status: criteria provided, single submitter. Criteria: ACMG Guidelines, 2015. Collection method: clinical testing. Allele origin: germline. Affected: yes. Observed: 1 heterozygote.
Comment: The variant observed at an extremely low frequency in the gnomAD v2.1.1 dataset (total allele frequency: 0.000071, PM2_M). In silico tool predictions suggest damaging effect of the variant on gene or gene product (REVEL: 0.683, 3CNET: 0.894, PP3_P). Therefore, this variant is classified as uncertain significance according to the recommendation of ACMG/AMP guideline.